The following is an entry in ClinVar:

NM_016222.4(DDX41):c.571G>A (p.Ala191Thr)

Gene: DDX41 (DEAD-box helicase 41; minus strand). Cytogenetic location: 5q35.3.
Variant type: single nucleotide variant.
Coding change: c.571G>A on transcript NM_016222.4 (MANE Select); coding-DNA position 571, G replaced by A.
Protein change: p.Ala191Thr; replaces alanine 191 with threonine.
Molecular consequence: missense variant.
Genome position (GRCh38, 1-based): chr5:177,515,685, C>T on the plus strand (G>A on the coding strand, the complement: DDX41 is on the minus strand). VCF-style: chr5-177515685-C-T. GRCh37 (hg19) VCF-style: chr5-176942686-C-T.
Other names: c.193G>A, p.Ala65Thr (NM_001321732.2, NM_001321830.2); c.571G>A (NM_016222.3); short protein forms A191T, A65T.
Identifiers: ClinVar variation 1330726 (VCV001330726.17), dbSNP rs2127437490, ClinGen allele CA362375945.

ClinVar aggregate classification (germline): Conflicting classifications of pathogenicity. Review status: criteria provided, conflicting classifications (1 of 4 stars). 8 submissions from 8 submitters: Pathogenic (1); Likely pathogenic (4); Uncertain significance (3). Last evaluated 2026-02-11.

Conditions:
DDX41-related disorder. Also called: DDX41-related condition.
Inborn genetic diseases. Identifiers: MedGen C0950123, MeSH D030342.
DDX41-related hematologic malignancy predisposition syndrome. Also called: DDX41-Associated Familial Myelodysplastic Syndrome and Acute Myeloid Leukemia; Myeloproliferative/lymphoproliferative neoplasms, familial (multiple types), susceptibility to. Identifiers: Orphanet 488647, MedGen C4225174, MONDO:0014809, OMIM 616871.

Allele frequency attached by ClinVar (database versions not stated): gnomAD exomes below 0.00001.

Submissions (8):

St. Jude Molecular Pathology, St. Jude Children's Research Hospital
Classification: Likely pathogenic for DDX41-related hematologic malignancy predisposition syndrome. Last evaluated: 2026-02-11. Review status: criteria provided, single submitter. Criteria: St. Jude Assertion Criteria 2020. Collection method: clinical testing. Allele origin: germline.
Comment: The DDX41 NM_016222.4:c.571G>A change. The DDX41c.571G>A p.(Ala191Thr) missense change is absent in gnomAD v2.1.1. Algorithms that predict the impact of sequence changes on splicing indicate that this change may impact splicing but to our knowledge these predictions have not been confirmed by RNA studies. This variant has been reported in multiple individuals with myelodysplastic syndrome and/or acute myeloid leukemia (PMID: 35443031, 37199125, 37032414, 37874914). In summary, this variant meets criteria to be classified as likely pathogenic.

Saint-Louis Hospital, Assistance Publique Hôpitaux de Paris
Classification: Likely pathogenic for DDX41-related hematologic malignancy predisposition syndrome. Last evaluated: 2025-05-13. Review status: criteria provided, single submitter. Criteria: ACMG Guidelines, 2015. Collection method: clinical testing. Allele origin: germline. Affected: yes.
Comment: The variant DDX41(NM_016222.4):c.571G>A:p.(Ala191Thr) is absent from control population databases and is predicted to be deleterious according to several algorithms. reported in individuals with suspected or confirmed predisposition to myeloid malignancies (PMID: 35443031, 37199125). Here, it is associated with a second (somatic) DDX41 mutation in bone marrow, which is a classical route of clonal evolution in DDX41-myeloid malignancies predisposition(Duployez et al, 2022, PMID: 35443031).

Ambry Genetics
Classification: Uncertain significance for Inborn genetic diseases. Last evaluated: 2025-03-30. Review status: criteria provided, single submitter. Criteria: Ambry Variant Classification Scheme 2023. Collection method: clinical testing. Allele origin: germline.
Comment: The c.571G>A variant (also known as p.A191T), located in coding exon 6 of the DDX41 gene, results from a G to A substitution at nucleotide position 571. The amino acid change results in alanine to threonine at codon 191, an amino acid with similar properties. However, this change occurs in the last base pair of coding exon 6, which makes it likely to have some effect on normal mRNA splicing. This variant was reported in individual(s) with features consistent with DDX41-related hematologic malignancy predisposition syndrome (Duployez N et al. Blood, 2022 Aug;140:756-768; Maierhofer A et al. Blood Adv, 2023 Dec;7:7346-7357; Badar T et al. Haematologica, 2023 Nov;108:3033-3043). This nucleotide position is highly conserved in available vertebrate species. In silico splice site analysis predicts that this alteration will weaken the native splice donor site and may result in the creation or strengthening of a novel splice donor site; however, direct evidence is insufficient at this time (Ambry internal data). Based on the available evidence, the clinical significance of this variant remains unclear.

GeneDx
Classification: Likely pathogenic. Last evaluated: 2025-02-10. Review status: criteria provided, single submitter. Criteria: GeneDx Variant Classification Process June 2021. Collection method: clinical testing. Allele origin: germline. Affected: yes.
Comment: Alters the last nucleotide of the exon and is predicted to destroy the splice donor site and result in aberrant splicing, although in the absence of functional evidence the actual effect of this sequence change is unknown (PMID: 37874914); Not observed at significant frequency in large population cohorts (gnomAD); Located in the critical N-terminal region of the DEAD domain (PMID: 27721487); This variant is associated with the following publications: (PMID: 37506341, 37874914, 35443031, 36672294, 37199125, 37665752, 27721487)

PreventionGenetics, part of Exact Sciences
Classification: Pathogenic for DDX41-related condition. Last evaluated: 2024-12-12. Review status: criteria provided, single submitter. Criteria: ACMG Guidelines, 2015. Collection method: clinical testing. Allele origin: germline.
Comment: The DDX41 c.571G>A variant is predicted to result in the amino acid substitution p.Ala191Thr. This variant has been reported as a germline variant in over ten individuals with myelodysplastic syndromes or acute myeloid leukemia (Table S2, Duployez et al. 2022. PubMed ID: 35443031; Maierhofer et al. 2023. PubMed ID: 37874914; Badar et al. 2023. PubMed ID: 37199125; Table S3, Maierhofer et al. 2023. PubMed ID: 37874914). In several of these reported cases somatic DDX41 variants were also detected (Table S2, S3 in Bataller et al. 2023. PubMed ID: 37665752; Table S3, Maierhofer et al. 2023. PubMed ID: 37874914). This variant occurs at the last nucleotide of the exon is predicted to alter splicing based on available splicing prediction programs (SpliceAI, Jaganathan et al. 2019. PubMed ID: 30661751). In addition, RNA-sequencing from a patient sample demonstrates this variant results in retention of a portion of intron 6 and a premature protein termination (Fig 2, Maierhofer et al. 2023. PubMed ID: 37874914). This variant has not been reported in a large population database (gnomAD), indicating this variant is rare. This variant is interpreted as pathogenic.

Labcorp Genetics (formerly Invitae), Labcorp
Classification: Uncertain significance. Last evaluated: 2024-11-13. Review status: criteria provided, single submitter. Criteria: Invitae Variant Classification Sherloc (09022015). Collection method: clinical testing. Allele origin: germline.
Comment: This sequence change replaces alanine, which is neutral and non-polar, with threonine, which is neutral and polar, at codon 191 of the DDX41 protein (p.Ala191Thr). This variant also falls at the last nucleotide of exon 6, which is part of the consensus splice site for this exon. This variant is not present in population databases (gnomAD no frequency). This missense change has been observed in individual(s) with acute myeloid leukemia and/or myelodysplastic syndrome (PMID: 35443031, 37199125). ClinVar contains an entry for this variant (Variation ID: 1330726). An algorithm developed to predict the effect of missense changes on protein structure and function (PolyPhen-2) suggests that this variant is likely to be tolerated. Variants that disrupt the consensus splice site are a relatively common cause of aberrant splicing (PMID: 17576681, 9536098). Algorithms developed to predict the effect of sequence changes on RNA splicing suggest that this variant may disrupt the consensus splice site. In summary, the available evidence is currently insufficient to determine the role of this variant in disease. Therefore, it has been classified as a Variant of Uncertain Significance.

Genetic Services Laboratory, University of Chicago
Classification: Likely pathogenic. Last evaluated: 2023-06-01. Review status: criteria provided, single submitter. Criteria: ACMG Guidelines, 2015. Collection method: clinical testing. Allele origin: germline. Affected: yes.
Comment: DNA sequence analysis of the DDX41 gene demonstrated a sequence change, c.571G>A, in exon 6 that results in an amino acid change, p.Ala191Thr. The p.Ala191Thr change affects a highly conserved amino acid residue located in a DEAD box domain of the DDX41 protein that is known to be functional (PMID: 27721487, PMID: 28637623). In-silico pathogenicity prediction tools (SIFT, PolyPhen2, Align GVGD, REVEL) provide contradictory results for the p.Ala191Thr substitution. This sequence change occurs at the last nucleotide in exon 6. Based on in-silico splice prediction programs, this sequence change likely affects normal splicing of the DDX41 gene, which would result in an abnormal protein, however functional studies have not been performed to prove this conclusively. This sequence change has been described in the literature in at least two individuals with acute myeloid leukemia (AML) who also had somatic changes in the gene (PMID: 35443031). This sequence change has not been described in population databases such as ExAC and gnomAD. These collective evidences indicate that, this sequence change is likely pathogenic.

ARUP Laboratories, Molecular Genetics and Genomics, ARUP Laboratories
Classification: Uncertain significance for DDX41-related hematologic malignancy predisposition syndrome. Last evaluated: 2021-09-21. Review status: criteria provided, single submitter. Criteria: ARUP Molecular Germline Variant Investigation Process 2021. Collection method: clinical testing. Allele origin: germline.

Literature cited by the submitters: PubMed 35443031 (cited by 3 submitters); PubMed 37199125 (cited by 3 submitters); PubMed 37874914 (cited by Ambry Genetics); PubMed 17576681 (cited by Labcorp Genetics (formerly Invitae), Labcorp); PubMed 9536098 (cited by Labcorp Genetics (formerly Invitae), Labcorp).